The following is an entry in ClinVar:

ClinVar aggregate classification (germline): Conflicting classifications of pathogenicity. Review status: criteria provided, conflicting classifications (1 of 4 stars). 6 submissions from 6 submitters: Uncertain significance (1); Benign (1); Likely benign (3). 1 of the submissions does not count toward it. Last evaluated 2026-01-28.

Conditions:
LRPPRC-related disorder. Also called: LRPPRC-related condition.
Congenital lactic acidosis, Saguenay-Lac-Saint-Jean type (MC4DN5). Also called: CYTOCHROME c OXIDASE DEFICIENCY, FRENCH CANADIAN TYPE; COX DEFICIENCY, FRENCH CANADIAN TYPE; MITOCHONDRIAL COMPLEX IV DEFICIENCY, NUCLEAR TYPE 5. Identifiers: Orphanet 70472, MedGen C1857355, MONDO:0009069, OMIM 220111.

Allele frequency attached by ClinVar (database versions not stated): gnomAD exomes 0.00039; ExAC 0.00046; ESP Exome Variant Server 0.00108; gnomAD 0.00110 and 0.00118; TOPMed 0.00133; 1000 Genomes Project 30x 0.00156; 1000 Genomes Project 0.00160.
gnomAD v4.1: 379 of 1,613,034 alleles (0.023%); highest among the groups gnomAD compares: African/African-American, 0.4%; 1 homozygote.

Submissions (6):

Labcorp Genetics (formerly Invitae), Labcorp
Classification: Benign. Last evaluated: 2026-01-28. Review status: criteria provided, single submitter. Criteria: Invitae Variant Classification Sherloc (09022015). Collection method: clinical testing. Allele origin: germline.

CeGaT Center for Human Genetics Tuebingen
Classification: Likely benign. Last evaluated: 2025-09-01. Review status: criteria provided, single submitter. Criteria: CeGaT Center For Human Genetics Tuebingen Variant Classification Criteria Version 2. Collection method: clinical testing. Allele origin: germline. Affected: yes. Observed: 1 variant allele.
Comment: LRPPRC: BP4, BP7

Blueprint Genetics
Classification: Likely benign. Last evaluated: 2024-11-06. Review status: criteria provided, single submitter. Criteria: ACMG Guidelines, 2015. Collection method: clinical testing. Allele origin: germline.

GeneDx
Classification: Likely benign. Last evaluated: 2021-04-06. Review status: criteria provided, single submitter. Criteria: GeneDx Variant Classification Process June 2021. Collection method: clinical testing. Allele origin: germline. Affected: yes.

Illumina Laboratory Services, Illumina
Classification: Uncertain significance for Congenital lactic acidosis, Saguenay-Lac-Saint-Jean type. Last evaluated: 2018-01-12. Review status: criteria provided, single submitter. Criteria: ICSL Variant Classification Criteria 13 December 2019. Collection method: clinical testing. Allele origin: germline.

PreventionGenetics, part of Exact Sciences
Classification: Likely benign for LRPPRC-related condition. Last evaluated: 2024-02-20. Review status: no assertion criteria provided. Collection method: clinical testing. Allele origin: germline. Not counted in ClinVar's aggregate classification.
Comment: This variant is classified as likely benign based on ACMG/AMP sequence variant interpretation guidelines (Richards et al. 2015 PMID: 25741868, with internal and published modifications).

NM_133259.4(LRPPRC):c.3030C>T (p.Asp1010=)

Gene: LRPPRC (leucine rich pentatricopeptide repeat containing; minus strand). Cytogenetic location: 2p21.
Variant type: single nucleotide variant.
Coding change: c.3030C>T on transcript NM_133259.4 (MANE Select); coding-DNA position 3030, C replaced by T.
Protein change: p.Asp1010=; no amino-acid change (aspartic acid 1010 retained).
Molecular consequence: synonymous variant.
Genome position (GRCh38, 1-based): chr2:43,918,265, G>A on the plus strand (C>T on the coding strand, the complement: LRPPRC is on the minus strand). VCF-style: chr2-43918265-G-A. GRCh37 (hg19) VCF-style: chr2-44145404-G-A.
Identifiers: ClinVar variation 379195 (VCV000379195.27), dbSNP rs147000685, ClinGen allele CA1638235.
Genomic context (GRCh38, chr2:43,918,265, plus strand): 5'-CCTAATTATACTGACAACAAAATCTGTTACGATTATGCCAAAAACAATTACCTCAGGTAC[G>A]TCAAACGGAACTTCCTGGTTACCCTCTCTAAGGATTTCTGCTAATAATCTTAATGTCTTT-3'
Protein context (NP_573566.2, residues 1000-1020): LREGNQEVPF[Asp1010=]VPELWYEDEK